The following is an entry in ClinVar:

NM_006236.3(POU3F3):c.81_96del (p.Ala29fs)

Gene: POU3F3 (POU class 3 homeobox 3; plus strand). Cytogenetic location: 2q12.1.
Variant type: Deletion.
Coding change: c.81_96del on transcript NM_006236.3 (MANE Select); coding-DNA positions 81 to 96, 16 bases deleted (AGGGGCTGGCGGCGGC).
Protein change: p.Ala29fs; shifts the reading frame from alanine 29.
Molecular consequence: frameshift variant.
Genome position (GRCh38, 1-based): chr2:104,855,591-104,855,606, AGGGGCTGGCGGCGGC deleted; deleting any 16 consecutive bases within chr2:104,855,586-104,855,606 gives the same sequence; the c. name uses the placement nearest the transcript's 3' end. VCF-style (leftmost placement, unchanged base first): chr2-104855585-CGCGGCAGGGGCTGGCG-C. GRCh37 (hg19) VCF-style: chr2-105472043-CGCGGCAGGGGCTGGCG-C.
Other names: short protein forms A29fs.
Identifiers: ClinVar variation 3775399 (VCV003775399.1).
Genomic context (GRCh38, chr2:104,855,585, plus strand): 5'-TTCTAACCCCTACCTGCCGGGGAACAGCCTGCTCGCGGCCGGCTCTATTGTGCACTCGGA[CGCGGCAGGGGCTGGCG>C]GCGGCGGGGGTGGCGGCGGCGGCGGCGGCGGGGGCGGCGCAGGGGGCGGGGGCGGCGGCA-3'

ClinVar aggregate classification (germline): Likely pathogenic (1 of 4 stars; one submission).

Conditions:
Snijders blok-fisher syndrome. Identifiers: Orphanet 656135, MedGen C5231424, MONDO:0032830, OMIM 618604.

Submission:

3billion
Classification: Likely pathogenic for Snijders blok-fisher syndrome. Last evaluated: 2023-09-07. Review status: criteria provided, single submitter. Criteria: ACMG Guidelines, 2015. Collection method: clinical testing. Allele origin: germline. Affected: yes.
Comment: The variant is not observed in the gnomAD v2.1.1 dataset. Predicted Consequence/Location: Frameshift: predicted to result in a loss or disruption of normal protein function through protein truncation. Multiple pathogenic variants are reported in the predicted truncated region. Therefore, this variant is classified as Likely pathogenic according to the recommendation of ACMG/AMP guideline.